The following is an entry in ClinVar:

ClinVar aggregate classification (germline): Uncertain significance (1 of 4 stars; one submission).

Conditions:
Holocarboxylase synthetase deficiency. Also called: MULTIPLE CARBOXYLASE DEFICIENCY, EARLY ONSET. Identifiers: Orphanet 79242, MedGen C0268581, MONDO:0009666, OMIM 253270.

Submission:

Labcorp Genetics (formerly Invitae), Labcorp
Classification: Uncertain significance for Holocarboxylase synthetase deficiency. Last evaluated: 2020-01-22. Review status: criteria provided, single submitter. Criteria: Invitae Variant Classification Sherloc (09022015). Collection method: clinical testing. Allele origin: germline.
Comment: In summary, the available evidence is currently insufficient to determine the role of this variant in disease. Therefore, it has been classified as a Variant of Uncertain Significance. This variant has been reported to affect HLCS protein function (PMID: 10590022). This variant has been observed in an individual with holocarboxylase synthetase deficiency (PMID: 10590022). This variant is not present in population databases (ExAC no frequency). This sequence change replaces arginine with proline at codon 183 of the HLCS protein (p.Arg183Pro). The arginine residue is moderately conserved and there is a moderate physicochemical difference between arginine and proline.

Literature cited by the submitters: PubMed 10590022.

NM_001352514.2(HLCS):c.989G>C (p.Arg330Pro)

Gene: HLCS (holocarboxylase synthetase; minus strand). Cytogenetic location: 21q22.13.
Variant type: single nucleotide variant.
Coding change: c.989G>C on transcript NM_001352514.2 (MANE Select); coding-DNA position 989, G replaced by C.
Protein change: p.Arg330Pro; replaces arginine 330 with proline.
Molecular consequence: missense variant. On other transcripts: non-coding transcript variant (2).
Genome position (GRCh38, 1-based): chr21:36,936,897, C>G on the plus strand (G>C on the coding strand, the complement: HLCS is on the minus strand). VCF-style: chr21-36936897-C-G. GRCh37 (hg19) VCF-style: chr21-38309197-C-G.
Other names: c.548G>C, p.Arg183Pro (NM_000411.8, NM_001242784.3, NM_001242785.2 and 4 more transcripts); short protein forms R183P, R330P.
Identifiers: ClinVar variation 860908 (VCV000860908.9), dbSNP rs368754318, ClinGen allele CA409912812.